The following is an entry in ClinVar:

NM_152564.5(VPS13B):c.1297del (p.Val433fs)

Gene: VPS13B (vacuolar protein sorting 13 homolog B; plus strand). Cytogenetic location: 8q22.2.
Variant type: Deletion.
Coding change: c.1297del on transcript NM_152564.5 (MANE Select); coding-DNA position 1297, one base deleted (G; older notation c.1297delG).
Protein change: p.Val433fs; shifts the reading frame from valine 433.
Molecular consequence: frameshift variant.
Genome position (GRCh38, 1-based): chr8:99,134,722, G deleted. VCF-style (leftmost placement, unchanged base first): chr8-99134721-AG-A. GRCh37 (hg19) VCF-style: chr8-100146949-AG-A.
Other names: c.1297del, p.Val433fs (NM_015243.3, NM_017890.5); c.1297delG, p.Val433Leufs (NM_017890.4); c.1297del (NM_017890.4); short protein forms V433fs.
Identifiers: ClinVar variation 3594983 (VCV003594983.3).

ClinVar aggregate classification (germline): Pathogenic/Likely pathogenic. Review status: criteria provided, multiple submitters, no conflicts (2 of 4 stars). 2 submissions from 2 submitters: Pathogenic (1); Likely pathogenic (1). Last evaluated 2024-11-27.

Conditions:
Cohen syndrome (COH1). Also called: Cutis verticis gyrata, retinitis pigmentosa, and sensorineural deafness; PEPPER SYNDROME. Identifiers: Orphanet 193, MedGen C0265223, MONDO:0008999, OMIM 216550.

Submissions (2):

Labcorp Genetics (formerly Invitae), Labcorp
Classification: Pathogenic for Cohen syndrome. Last evaluated: 2024-11-27. Review status: criteria provided, single submitter. Criteria: Invitae Variant Classification Sherloc (09022015). Collection method: clinical testing. Allele origin: germline.
Comment: This sequence change creates a premature translational stop signal (p.Val433Leufs*5) in the VPS13B gene. It is expected to result in an absent or disrupted protein product. Loss-of-function variants in VPS13B are known to be pathogenic (PMID: 15141358, 16648375, 20461111). This variant is not present in population databases (gnomAD no frequency). This variant has not been reported in the literature in individuals affected with VPS13B-related conditions. For these reasons, this variant has been classified as Pathogenic.

Fulgent Genetics
Classification: Likely pathogenic for Cohen syndrome. Last evaluated: 2024-06-19. Review status: criteria provided, single submitter. Criteria: ACMG Guidelines, 2015. Collection method: clinical testing. Allele origin: germline.

Literature cited by the submitters: PubMed 15141358 (cited by Labcorp Genetics (formerly Invitae), Labcorp); PubMed 16648375 (cited by Labcorp Genetics (formerly Invitae), Labcorp); PubMed 20461111 (cited by Labcorp Genetics (formerly Invitae), Labcorp).